The following is an entry in ClinVar:

NM_000260.4(MYO7A):c.3846G>T (p.Glu1282Asp)

Gene: MYO7A (myosin VIIA; plus strand). Cytogenetic location: 11q13.5.
Variant type: single nucleotide variant.
Coding change: c.3846G>T on transcript NM_000260.4 (MANE Select); coding-DNA position 3846, G replaced by T.
Protein change: p.Glu1282Asp; replaces glutamic acid 1282 with aspartic acid.
Molecular consequence: missense variant.
Genome position (GRCh38, 1-based): chr11:77,190,792, G>T. VCF-style: chr11-77190792-G-T. GRCh37 (hg19) VCF-style: chr11-76901837-G-T.
Other names: c.3846G>T, p.Glu1282Asp (NM_001127180.2); c.3813G>T, p.Glu1271Asp (NM_001369365.1); short protein forms E1271D, E1282D.
Identifiers: ClinVar variation 3031077 (VCV003031077.2), dbSNP rs764637688, ClinGen allele CA6198215.

ClinVar aggregate classification (germline): Uncertain significance (0 of 4 stars; one submission).

Conditions:
MYO7A-related disorder. Also called: MYO7A-related disorders.

Allele frequency attached by ClinVar (database versions not stated): ExAC 0.00002.

Submission:

PreventionGenetics, part of Exact Sciences
Classification: Uncertain significance for MYO7A-related condition. Last evaluated: 2023-10-18. Review status: no assertion criteria provided. Collection method: clinical testing. Allele origin: germline.
Comment: The MYO7A c.3846G>T variant is predicted to result in the amino acid substitution p.Glu1282Asp. To our knowledge, this variant has not been reported in the literature. This variant is reported in 0.0064% of alleles in individuals of East Asian descent in gnomAD. At this time, the clinical significance of this variant is uncertain due to the absence of conclusive functional and genetic evidence.